The following is an entry in ClinVar:

ClinVar aggregate classification (germline): Conflicting classifications of pathogenicity. Review status: criteria provided, conflicting classifications (1 of 4 stars). 7 submissions from 7 submitters: Uncertain significance (2); Benign (1); Likely benign (4). Last evaluated 2025-12-13.

Conditions:
CHD7-related disorder. Also called: CHD7-related condition.
Inborn genetic diseases. Identifiers: MedGen C0950123, MeSH D030342.
Hypogonadotropic hypogonadism 5 with or without anosmia (KAL5). Also called: CHD7-Related GnRH Deficiency (Kallmann Syndrome 5); HYPOGONADOTROPIC HYPOGONADISM 5 WITH ANOSMIA; HYPOGONADOTROPHIC HYPOGONADISM 5 WITHOUT ANOSMIA. Identifiers: Orphanet 478, MedGen C3552553, MONDO:0012880, OMIM 612370. Disease mechanism: loss of function.
CHARGE syndrome (CHARGE). Also called: Hittner Hirsch Kreh syndrome; Coloboma, heart anomaly, choanal atresia, retardation, genital and ear anomalies; CHARGE association; Hall-Hittner syndrome; CHARGE ASSOCIATION--COLOBOMA, HEART ANOMALY, CHOANAL ATRESIA, RETARDATION, GENITAL AND EAR ANOMALIES. Identifiers: Orphanet 138, MedGen C0265354, MONDO:0008965.

Allele frequency attached by ClinVar (database versions not stated): ExAC 0.00007; ESP Exome Variant Server 0.00008; gnomAD exomes 0.00008 and 0.00032; TOPMed 0.00014; gnomAD 0.00016 and 0.00017.
gnomAD v4.1: 477 of 1,613,860 alleles (0.03%); highest among the groups gnomAD compares: Non-Finnish European, 0.039%; 1 homozygote.

Submissions (7):

Labcorp Genetics (formerly Invitae), Labcorp
Classification: Benign for CHARGE syndrome. Last evaluated: 2025-12-13. Review status: criteria provided, single submitter. Criteria: Invitae Variant Classification Sherloc (09022015). Collection method: clinical testing. Allele origin: germline.

PreventionGenetics, part of Exact Sciences
Classification: Likely benign for CHD7-related condition. Last evaluated: 2025-09-13. Review status: criteria provided, single submitter. Criteria: ACMG Guidelines, 2015. Collection method: clinical testing. Allele origin: germline.
Comment: This variant is classified as likely benign based on ACMG/AMP sequence variant interpretation guidelines (Richards et al. 2015 PMID: 25741868, with internal and published modifications).

CeGaT Center for Human Genetics Tuebingen
Classification: Likely benign. Last evaluated: 2025-02-01. Review status: criteria provided, single submitter. Criteria: CeGaT Center For Human Genetics Tuebingen Variant Classification Criteria Version 2. Collection method: clinical testing. Allele origin: germline. Affected: yes. Observed: 1 variant allele.
Comment: CHD7: BP5, BS2

GeneDx
Classification: Likely benign. Last evaluated: 2020-11-24. Review status: criteria provided, single submitter. Criteria: GeneDx Variant Classification Process June 2021. Collection method: clinical testing. Allele origin: germline. Affected: yes.
Comment: In silico analysis, which includes protein predictors and evolutionary conservation, supports a deleterious effect; This variant is associated with the following publications: (PMID: 25996639)

Ambry Genetics
Classification: Uncertain significance for Inborn genetic diseases. Last evaluated: 2018-02-08. Review status: criteria provided, single submitter. Criteria: Ambry Variant Classification Scheme 2023. Collection method: clinical testing. Allele origin: germline.
Comment: The p.P2083S variant (also known as c.6247C>T), located in coding exon 30 of the CHD7 gene, results from a C to T substitution at nucleotide position 6247. The proline at codon 2083 is replaced by serine, an amino acid with similar properties. This amino acid position is well conserved in available vertebrate species. In addition, the in silico prediction for this alteration is inconclusive. Since supporting evidence is limited at this time, the clinical significance of this alteration remains unclear.

Illumina Laboratory Services, Illumina
Classification: Likely benign for Kallmann Syndrome 5. Last evaluated: 2017-04-27. Review status: criteria provided, single submitter. Criteria: ICSL Variant Classification Criteria 13 December 2019. Collection method: clinical testing. Allele origin: germline.
Comment: This variant was observed as part of a predisposition screen in an ostensibly healthy population. A literature search was performed for the gene, cDNA change, and amino acid change (where applicable). No publications were found based on this search. Allele frequency data from public databases allowed determination this variant is unlikely to cause disease. Therefore, this variant is classified as likely benign.

Eurofins Ntd Llc (ga)
Classification: Uncertain significance. Last evaluated: 2016-04-29. Review status: criteria provided, single submitter. Criteria: EGL Classification Definitions 2015. Collection method: clinical testing. Allele origin: germline. Observed: 1 variant allele, 1 heterozygote.

NM_017780.4(CHD7):c.6247C>T (p.Pro2083Ser)

Gene: CHD7 (chromodomain helicase DNA binding protein 7; plus strand). Cytogenetic location: 8q12.2.
Variant type: single nucleotide variant.
Coding change: c.6247C>T on transcript NM_017780.4 (MANE Select); coding-DNA position 6247, C replaced by T.
Protein change: p.Pro2083Ser; replaces proline 2083 with serine.
Molecular consequence: missense variant. On other transcripts: intron variant (1).
Genome position (GRCh38, 1-based): chr8:60,852,972, C>T. VCF-style: chr8-60852972-C-T. GRCh37 (hg19) VCF-style: chr8-61765531-C-T.
Other names: c.1717-9257C>T (NM_001316690.1); short protein forms P2083S.
Identifiers: ClinVar variation 287143 (VCV000287143.36), dbSNP rs370972259, ClinGen allele CA4760557.